The following is an entry in ClinVar:

NM_152564.5(VPS13B):c.3860C>G (p.Thr1287Ser)

Gene: VPS13B (vacuolar protein sorting 13 homolog B; plus strand). Cytogenetic location: 8q22.2.
Variant type: single nucleotide variant.
Coding change: c.3860C>G on transcript NM_152564.5 (MANE Select); coding-DNA position 3860, C replaced by G.
Protein change: p.Thr1287Ser; replaces threonine 1287 with serine.
Molecular consequence: missense variant.
Genome position (GRCh38, 1-based): chr8:99,481,792, C>G. VCF-style: chr8-99481792-C-G. GRCh37 (hg19) VCF-style: chr8-100494020-C-G.
Other names: c.3860C>G, p.Thr1287Ser (NM_017890.5); short protein forms T1287S.
Identifiers: ClinVar variation 528847 (VCV000528847.8), dbSNP rs966120122, ClinGen allele CA371867045.

ClinVar aggregate classification (germline): Uncertain significance (1 of 4 stars; one submission).

Conditions:
Cohen syndrome (COH1). Also called: PEPPER SYNDROME; Cutis verticis gyrata, retinitis pigmentosa, and sensorineural deafness. Identifiers: Orphanet 193, MedGen C0265223, MONDO:0008999, OMIM 216550.

Submission:

Labcorp Genetics (formerly Invitae), Labcorp
Classification: Uncertain significance for Cohen syndrome. Last evaluated: 2022-06-20. Review status: criteria provided, single submitter. Criteria: Invitae Variant Classification Sherloc (09022015). Collection method: clinical testing. Allele origin: germline.
Comment: This sequence change replaces threonine, which is neutral and polar, with serine, which is neutral and polar, at codon 1287 of the VPS13B protein (p.Thr1287Ser). This variant is not present in population databases (gnomAD no frequency). This variant has not been reported in the literature in individuals affected with VPS13B-related conditions. ClinVar contains an entry for this variant (Variation ID: 528847). Algorithms developed to predict the effect of missense changes on protein structure and function are either unavailable or do not agree on the potential impact of this missense change (SIFT: "Not Available"; PolyPhen-2: "Benign"; Align-GVGD: "Not Available"). In summary, the available evidence is currently insufficient to determine the role of this variant in disease. Therefore, it has been classified as a Variant of Uncertain Significance.